The following is an entry in ClinVar:

NM_001024383.2(NAV3):c.212A>C (p.Gln71Pro)

Gene: NAV3 (neuron navigator 3; plus strand). Cytogenetic location: 12q21.2.
Variant type: single nucleotide variant.
Coding change: c.212A>C on transcript NM_001024383.2 (MANE Select); coding-DNA position 212, A replaced by C.
Protein change: p.Gln71Pro; replaces glutamine 71 with proline.
Molecular consequence: missense variant.
Genome position (GRCh38, 1-based): chr12:77,831,673, A>C. VCF-style: chr12-77831673-A-C. GRCh37 (hg19) VCF-style: chr12-78225453-A-C.
Other names: c.212A>C, p.Gln71Pro (NM_014903.6); short protein forms Q71P.
Identifiers: ClinVar variation 4117059 (VCV004117059.3).

ClinVar aggregate classification (germline): Conflicting classifications of pathogenicity. Review status: criteria provided, conflicting classifications (1 of 4 stars). 2 submissions from 2 submitters: Uncertain significance (1); Likely benign (1). Last evaluated 2026-07-01.

gnomAD v4.1: 334 of 1,611,512 alleles (0.021%); highest among the groups gnomAD compares: South Asian, 0.23%; 8 homozygotes.

Submissions (2):

CeGaT Center for Human Genetics Tuebingen
Classification: Likely benign. Last evaluated: 2026-07-01. Review status: criteria provided, single submitter. Criteria: CeGaT Center For Human Genetics Tuebingen Variant Classification Criteria Version 2. Collection method: clinical testing. Allele origin: germline. Affected: yes. Observed: 2 variant alleles.
Comment: NAV3: BP4, BS2

Ambry Genetics
Classification: Uncertain significance. Last evaluated: 2025-09-11. Review status: criteria provided, single submitter. Criteria: Ambry Variant Classification Scheme 2023. Collection method: clinical testing. Allele origin: germline.